The following is an entry in ClinVar:

NM_024577.4(SH3TC2):c.1391C>T (p.Ala464Val)

Gene: SH3TC2 (SH3 domain and tetratricopeptide repeats 2; minus strand). Cytogenetic location: 5q32.
Variant type: single nucleotide variant.
Coding change: c.1391C>T on transcript NM_024577.4 (MANE Select); coding-DNA position 1391, C replaced by T.
Protein change: p.Ala464Val; replaces alanine 464 with valine.
Molecular consequence: missense variant.
Genome position (GRCh38, 1-based): chr5:149,028,341, G>A on the plus strand (C>T on the coding strand, the complement: SH3TC2 is on the minus strand). VCF-style: chr5-149028341-G-A. GRCh37 (hg19) VCF-style: chr5-148407904-G-A.
Other names: short protein forms A464V.
Identifiers: ClinVar variation 1920448 (VCV001920448.5), dbSNP rs2531774065, ClinGen allele CA361668937.

ClinVar aggregate classification (germline): Uncertain significance (1 of 4 stars; one submission).

Conditions:
Charcot-Marie-Tooth disease type 4. Also called: Charcot-Marie-Tooth, Type 4; Charcot-Marie-Tooth disease, type IV. Identifiers: Orphanet 64749, MedGen C4082197, MONDO:0018995.

Submission:

Labcorp Genetics (formerly Invitae), Labcorp
Classification: Uncertain significance for Charcot-Marie-Tooth disease type 4. Last evaluated: 2022-08-22. Review status: criteria provided, single submitter. Criteria: Invitae Variant Classification Sherloc (09022015). Collection method: clinical testing. Allele origin: germline.
Comment: In summary, the available evidence is currently insufficient to determine the role of this variant in disease. Therefore, it has been classified as a Variant of Uncertain Significance. Advanced modeling of protein sequence and biophysical properties (such as structural, functional, and spatial information, amino acid conservation, physicochemical variation, residue mobility, and thermodynamic stability) performed at Invitae indicates that this missense variant is not expected to disrupt SH3TC2 protein function. This variant has not been reported in the literature in individuals affected with SH3TC2-related conditions. This variant is not present in population databases (gnomAD no frequency). This sequence change replaces alanine, which is neutral and non-polar, with valine, which is neutral and non-polar, at codon 464 of the SH3TC2 protein (p.Ala464Val).